The following is an entry in ClinVar:

ClinVar aggregate classification (germline): Pathogenic (1 of 4 stars; one submission).

Conditions:
Congenital myasthenic syndrome 11. Also called: Myasthenic syndrome, congenital, 11, associated with acetylcholine receptor deficiency; MYASTHENIC SYNDROME, CONGENITAL, Ie. Identifiers: Orphanet 590, MedGen C4225367, MONDO:0014588, OMIM 616326.
Fetal akinesia deformation sequence 1 (FADS1). Also called: Pena-Shokeir syndrome type I; Fetal akinesia sequence. Identifiers: Orphanet 994, MedGen C1276035, MONDO:0100101, OMIM 208150, HP:0001989.

Submission:

Labcorp Genetics (formerly Invitae), Labcorp
Classification: Pathogenic for Congenital myasthenic syndrome 11; Fetal akinesia deformation sequence 1. Last evaluated: 2022-08-30. Review status: criteria provided, single submitter. Criteria: Invitae Variant Classification Sherloc (09022015). Collection method: clinical testing. Allele origin: germline.
Comment: This variant is a gross deletion of the genomic region encompassing exon(s) 7-8 of the RAPSN gene, which includes the termination codon. This deletion extends beyond the assayed region for this gene and therefore may encompass additional genes. While this deletion is not anticipated to lead to nonsense mediated decay, it is expected to alter mRNA translation or result in a truncated protein product. A similar copy number variant has been observed in individual(s) with congenital myasthenic syndrome (PMID: 15482960, 20930056). In at least one individual the data is consistent with being in trans (on the opposite chromosome) from a pathogenic variant. For these reasons, this variant has been classified as Pathogenic.

Literature cited by the submitters: PubMed 15482960; PubMed 20930056.

NC_000011.10:g.(?_47437965)_(47438941_?)del

Gene: RAPSN (receptor associated protein of the synapse; minus strand). Cytogenetic location: 11p11.2.
Variant type: Deletion.
Identifiers: ClinVar variation 832988 (VCV000832988.7).